The following is an entry in ClinVar:

ClinVar aggregate classification (germline): Uncertain significance (1 of 4 stars; one submission).

Conditions:
Dystonic disorder. Also called: Dystonia. Identifiers: MedGen C0013421, MONDO:0003441, HP:0001332.

Allele frequency attached by ClinVar (database versions not stated): TOPMed below 0.00001; ExAC 0.00001; gnomAD 0.00001; gnomAD exomes 0.00001.
gnomAD v4.1: 9 of 1,606,836 alleles (0.00056%); highest among the groups gnomAD compares: Admixed American, 0.0017%; no homozygotes.

Submission:

Labcorp Genetics (formerly Invitae), Labcorp
Classification: Uncertain significance for Dystonic disorder. Last evaluated: 2023-08-04. Review status: criteria provided, single submitter. Criteria: Invitae Variant Classification Sherloc (09022015). Collection method: clinical testing. Allele origin: germline.
Comment: In summary, the available evidence is currently insufficient to determine the role of this variant in disease. Therefore, it has been classified as a Variant of Uncertain Significance. Advanced modeling of protein sequence and biophysical properties (such as structural, functional, and spatial information, amino acid conservation, physicochemical variation, residue mobility, and thermodynamic stability) performed at Invitae indicates that this missense variant is expected to disrupt ANO3 protein function. ClinVar contains an entry for this variant (Variation ID: 660344). This variant has not been reported in the literature in individuals affected with ANO3-related conditions. The frequency data for this variant in the population databases is considered unreliable, as metrics indicate poor data quality at this position in the gnomAD database. This sequence change replaces arginine, which is basic and polar, with tryptophan, which is neutral and slightly polar, at codon 287 of the ANO3 protein (p.Arg287Trp).

NM_031418.4(ANO3):c.859C>T (p.Arg287Trp)

Gene: ANO3 (anoctamin 3; plus strand). Cytogenetic location: 11p14.2.
Variant type: single nucleotide variant.
Coding change: c.859C>T on transcript NM_031418.4 (MANE Select); coding-DNA position 859, C replaced by T.
Protein change: p.Arg287Trp; replaces arginine 287 with tryptophan.
Molecular consequence: missense variant.
Genome position (GRCh38, 1-based): chr11:26,531,326, C>T. VCF-style: chr11-26531326-C-T. GRCh37 (hg19) VCF-style: chr11-26552873-C-T.
Other names: c.1042C>T, p.Arg348Trp (NM_001313726.2); c.421C>T, p.Arg141Trp (NM_001313727.2); short protein forms R141W, R287W, R348W.
Identifiers: ClinVar variation 660344 (VCV000660344.8), dbSNP rs779890833, ClinGen allele CA5925693.